The following is an entry in ClinVar:

ClinVar aggregate classification (germline): Benign. Review status: criteria provided, multiple submitters, no conflicts (2 of 4 stars). 2 submissions from 2 submitters: Benign (2). Last evaluated 2026-01-27.

Conditions:
TMEM107-related disorder. Also called: TMEM107-related condition.

Allele frequency attached by ClinVar (database versions not stated): ExAC 0.00250; 1000 Genomes Project 0.00659; gnomAD 0.00728 and 0.00768; TOPMed 0.00769; 1000 Genomes Project 30x 0.00781; ESP Exome Variant Server 0.00802.
gnomAD v4.1: 2,085 of 765,370 alleles (0.27%); highest among the groups gnomAD compares: African/African-American, 2.3%; 23 homozygotes.

Submissions (2):

Labcorp Genetics (formerly Invitae), Labcorp
Classification: Benign. Last evaluated: 2026-01-27. Review status: criteria provided, single submitter. Criteria: Invitae Variant Classification Sherloc (09022015). Collection method: clinical testing. Allele origin: germline.

PreventionGenetics, part of Exact Sciences
Classification: Benign for TMEM107-related condition. Last evaluated: 2024-12-02. Review status: criteria provided, single submitter. Criteria: ACMG Guidelines, 2015. Collection method: clinical testing. Allele origin: germline.
Comment: This variant is classified as benign based on ACMG/AMP sequence variant interpretation guidelines (Richards et al. 2015 PMID: 25741868, with internal and published modifications).

NR_033294.2(SNORD118):n.54C>T

Genes: SNORD118 (small nucleolar RNA, C/D box 118; minus strand), TMEM107 (transmembrane protein 107; minus strand). Cytogenetic location: 17p13.1.
Variant type: single nucleotide variant.
Molecular consequence: non-coding transcript variant (on NR_033294.2). On other transcripts: 3 prime UTR variant (5).
Genome position: GRCh38 VCF-style: chr17-8173535-G-A. GRCh37 (hg19) VCF-style: chr17-8076853-G-A.
Other names: c.*668C>T (NM_001351278.2, NM_001351279.2, NM_001351280.2 and 3 more transcripts).
Identifiers: ClinVar variation 1600229 (VCV001600229.9), dbSNP rs73245429, ClinGen allele CA8370722.